The following is an entry in ClinVar:

ClinVar aggregate classification (germline): Uncertain significance (1 of 4 stars; one submission).

Submission:

GeneDx
Classification: Uncertain significance. Last evaluated: 2022-09-13. Review status: criteria provided, single submitter. Criteria: GeneDx Variant Classification Process June 2021. Collection method: clinical testing. Allele origin: germline. Affected: yes.
Comment: Not observed at significant frequency in large population cohorts (gnomAD); Missense variants in this gene are often considered pathogenic (HGMD); In silico analysis supports that this missense variant has a deleterious effect on protein structure/function; Has not been previously published as pathogenic or benign to our knowledge; This variant is associated with the following publications: (PMID: 29493581)

NM_005633.4(SOS1):c.676T>A (p.Phe226Ile)

Gene: SOS1 (SOS Ras/Rac guanine nucleotide exchange factor 1; minus strand). Cytogenetic location: 2p22.1.
Variant type: single nucleotide variant.
Coding change: c.676T>A on transcript NM_005633.4 (MANE Select); coding-DNA position 676, T replaced by A.
Protein change: p.Phe226Ile; replaces phenylalanine 226 with isoleucine.
Molecular consequence: missense variant.
Genome position (GRCh38, 1-based): chr2:39,054,658, A>T on the plus strand (T>A on the coding strand, the complement: SOS1 is on the minus strand). VCF-style: chr2-39054658-A-T. GRCh37 (hg19) VCF-style: chr2-39281799-A-T.
Other names: c.655T>A, p.Phe219Ile (NM_001382394.1); c.676T>A, p.Phe226Ile (NM_001382395.1); short protein forms F219I, F226I.
Identifiers: ClinVar variation 2443605 (VCV002443605.1), dbSNP rs2465346838, ClinGen allele CA346372998.
Genomic context (GRCh38, chr2:39,054,658, plus strand): 5'-ATACAATGATACTTACATTAGCTGAAAACAATTTTGAATTGGAGACAAAGGGCTCTCTAA[A>T]AACTTTTATAATTAGATTTAGTTCCCTTATATATTGTCGAATTTCTGCCATAAATGCTTT-3'
Protein context (NP_005624.2, residues 216-236): IRELNLIIKV[Phe226Ile]REPFVSNSKL